The following is an entry in ClinVar:

NM_005609.4(PYGM):c.2300T>C (p.Met767Thr)

Gene: PYGM (glycogen phosphorylase, muscle associated; minus strand). Cytogenetic location: 11q13.1.
Variant type: single nucleotide variant.
Coding change: c.2300T>C on transcript NM_005609.4 (MANE Select); coding-DNA position 2300, T replaced by C.
Protein change: p.Met767Thr; replaces methionine 767 with threonine.
Molecular consequence: missense variant.
Genome position (GRCh38, 1-based): chr11:64,747,236, A>G on the plus strand (T>C on the coding strand, the complement: PYGM is on the minus strand). VCF-style: chr11-64747236-A-G. GRCh37 (hg19) VCF-style: chr11-64514708-A-G.
Other names: c.2036T>C, p.Met679Thr (NM_001164716.1); short protein forms M679T, M767T.
Identifiers: ClinVar variation 3767049 (VCV003767049.1).

ClinVar aggregate classification (germline): Uncertain significance (1 of 4 stars; one submission).

Conditions:
Glycogen storage disease, type V (GSD5). Also called: MCARDLE DISEASE; MUSCLE GLYCOGEN PHOSPHORYLASE DEFICIENCY; MYOPHOSPHORYLASE DEFICIENCY; PYGM DEFICIENCY; McArdle type glycogen storage disease. Identifiers: Orphanet 368, MedGen C0017924, MONDO:0009293, OMIM 232600.

Submission:

ARUP Laboratories, Molecular Genetics and Genomics, ARUP Laboratories
Classification: Uncertain significance for Glycogen storage disease, type V. Last evaluated: 2024-04-30. Review status: criteria provided, single submitter. Criteria: ARUP Molecular Germline Variant Investigation Process 2024. Collection method: clinical testing. Allele origin: germline.
Comment: The PYGM c.2300T>C; p.Met767Thr variant (rs529442663), to our knowledge, is not reported in the medical literature or gene specific databases. This variant is only observed on three alleles in the Genome Aggregation Database (v2.1.1), indicating it is not a common polymorphism. Computational analyses are uncertain whether this variant is neutral or deleterious (REVEL: 0.626). Due to limited information, the clinical significance of this variant is uncertain at this time.